The following is an entry in ClinVar:

ClinVar aggregate classification (germline): Uncertain significance (1 of 4 stars; one submission).

Submission:

Labcorp Genetics (formerly Invitae), Labcorp
Classification: Uncertain significance. Last evaluated: 2024-02-24. Review status: criteria provided, single submitter. Criteria: Invitae Variant Classification Sherloc (09022015). Collection method: clinical testing. Allele origin: germline.
Comment: This sequence change replaces serine, which is neutral and polar, with proline, which is neutral and non-polar, at codon 263 of the NSUN3 protein (p.Ser263Pro). This variant is not present in population databases (gnomAD no frequency). This variant has not been reported in the literature in individuals affected with NSUN3-related conditions. An algorithm developed to predict the effect of missense changes on protein structure and function (PolyPhen-2) suggests that this variant is likely to be disruptive. In summary, the available evidence is currently insufficient to determine the role of this variant in disease. Therefore, it has been classified as a Variant of Uncertain Significance.

NM_022072.5(NSUN3):c.787T>C (p.Ser263Pro)

Gene: NSUN3 (NOP2/Sun RNA methyltransferase 3; plus strand). Cytogenetic location: 3q11.2.
Variant type: single nucleotide variant.
Coding change: c.787T>C on transcript NM_022072.5 (MANE Select); coding-DNA position 787, T replaced by C.
Protein change: p.Ser263Pro; replaces serine 263 with proline.
Molecular consequence: missense variant.
Genome position (GRCh38, 1-based): chr3:94,126,254, T>C. VCF-style: chr3-94126254-T-C. GRCh37 (hg19) VCF-style: chr3-93845098-T-C.
Other names: short protein forms S263P.
Identifiers: ClinVar variation 3643004 (VCV003643004.2).